The following is an entry in ClinVar:

ClinVar aggregate classification (germline): Uncertain significance (1 of 4 stars; one submission).

Conditions:
Catecholaminergic polymorphic ventricular tachycardia 1. Also called: VENTRICULAR TACHYCARDIA, STRESS-INDUCED POLYMORPHIC 1; VENTRICULAR TACHYCARDIA, CATECHOLAMINERGIC POLYMORPHIC, 1, WITH OR WITHOUT ATRIAL DYSFUNCTION AND/OR DILATED CARDIOMYOPATHY; RYR2-Related Catecholaminergic Polymorphic Ventricular Tachycardia. Identifiers: Orphanet 3286, MedGen C1631597, MONDO:0011484, OMIM 604772.

Submission:

Labcorp Genetics (formerly Invitae), Labcorp
Classification: Uncertain significance for Catecholaminergic polymorphic ventricular tachycardia 1. Last evaluated: 2025-03-18. Review status: criteria provided, single submitter. Criteria: Invitae Variant Classification Sherloc (09022015). Collection method: clinical testing. Allele origin: germline.
Comment: This sequence change replaces glutamic acid, which is acidic and polar, with glutamine, which is neutral and polar, at codon 1506 of the RYR2 protein (p.Glu1506Gln). This variant is not present in population databases (gnomAD no frequency). This variant has not been reported in the literature in individuals affected with RYR2-related conditions. Invitae Evidence Modeling of protein sequence and biophysical properties (such as structural, functional, and spatial information, amino acid conservation, physicochemical variation, residue mobility, and thermodynamic stability) indicates that this missense variant is not expected to disrupt RYR2 protein function with a negative predictive value of 95%. In summary, the available evidence is currently insufficient to determine the role of this variant in disease. Therefore, it has been classified as a Variant of Uncertain Significance.

NM_001035.3(RYR2):c.4516G>C (p.Glu1506Gln)

Gene: RYR2 (ryanodine receptor 2; plus strand). Cytogenetic location: 1q43.
Variant type: single nucleotide variant.
Coding change: c.4516G>C on transcript NM_001035.3 (MANE Select); coding-DNA position 4516, G replaced by C.
Protein change: p.Glu1506Gln; replaces glutamic acid 1506 with glutamine.
Molecular consequence: missense variant.
Genome position (GRCh38, 1-based): chr1:237,595,577, G>C. VCF-style: chr1-237595577-G-C. GRCh37 (hg19) VCF-style: chr1-237758877-G-C.
Other names: short protein forms E1506Q.
Identifiers: ClinVar variation 3708405 (VCV003708405.2).
Genomic context (GRCh38, chr1:237,595,577, plus strand): 5'-TATATGGTATGTGCGGGTGAGAGCATGAGCCCCGGGCAAGGACGCAACAATAATGGACTG[G>C]AGATTGGCTGTGTGGTGGATGCTGCCAGCGGGCTGCTCACATTCATTGCCAATGGCAAGG-3'
Protein context (NP_001026.2, residues 1496-1516): PGQGRNNNGL[Glu1506Gln]IGCVVDAASG